The following is an entry in ClinVar:

NM_019055.6(ROBO4):c.283G>A (p.Ala95Thr)

Gene: ROBO4 (roundabout guidance receptor 4; minus strand). Cytogenetic location: 11q24.2.
Variant type: single nucleotide variant.
Coding change: c.283G>A on transcript NM_019055.6 (MANE Select); coding-DNA position 283, G replaced by A.
Protein change: p.Ala95Thr; replaces alanine 95 with threonine.
Molecular consequence: missense variant. On other transcripts: 5 prime UTR variant (1).
Genome position (GRCh38, 1-based): chr11:124,897,049, C>T on the plus strand (G>A on the coding strand, the complement: ROBO4 is on the minus strand). VCF-style: chr11-124897049-C-T. GRCh37 (hg19) VCF-style: chr11-124766945-C-T.
Other names: c.-153G>A (NM_001301088.2); short protein forms A95T.
Identifiers: ClinVar variation 560395 (VCV000560395.4), dbSNP rs138370967, ClinGen allele CA6345379.

ClinVar aggregate classification (germline): Likely pathogenic. Review status: criteria provided, single submitter (1 of 4 stars). 2 submissions from 2 submitters: Likely pathogenic (1). 1 of the submissions does not count toward it.

Conditions:
ROBO4-related disorder. Also called: ROBO4-related condition.
Bicuspid aortic valve. Identifiers: MedGen C0149630, HP:0001647.
Ascending tubular aorta aneurysm. Also called: Ascending aortic dilation; Dilatation of the ascending aorta; Ascending aortic aneurysm. Identifiers: MedGen C0856747, HP:0004970.

Allele frequency attached by ClinVar (database versions not stated): TOPMed 0.00006; ESP Exome Variant Server 0.00008; ExAC 0.00004; gnomAD 0.00006 and 0.00007; gnomAD exomes 0.00007; 1000 Genomes Project 0.00020; 1000 Genomes Project 30x 0.00031.
gnomAD v4.1: 101 of 1,613,654 alleles (0.0063%); highest among the groups gnomAD compares: Middle Eastern, 0.066%; no homozygotes.

Submissions (2):

Baylor-Hopkins Center for Mendelian Genomics, Johns Hopkins University School of Medicine
Classification: Likely pathogenic for Bicuspid aortic valve; Dilatation of ascending aorta. Review status: criteria provided, single submitter. Criteria: Gould et al., Nature Genet 2019. Collection method: research. Allele origin: unknown. Affected: yes. Observed: 1 variant allele.

PreventionGenetics, part of Exact Sciences
Classification: Uncertain significance for ROBO4-related condition. Last evaluated: 2024-06-11. Review status: no assertion criteria provided. Collection method: clinical testing. Allele origin: germline. Not counted in ClinVar's aggregate classification.
Comment: The ROBO4 c.283G>A variant is predicted to result in the amino acid substitution p.Ala95Thr. This variant has been reported in an individual with bicuspid aortic valve and thoracic aortic aneurysm (Gould et al 2019. PubMed ID: 30455415). This variant is reported in 0.016% of alleles in individuals of South Asian descent in gnomAD. Although we suspect that this variant may be pathogenic, at this time, the clinical significance of this variant is uncertain due to the absence of conclusive functional and genetic evidence.